The following is an entry in ClinVar:

NM_201631.4(TGM5):c.1036C>T (p.Arg346Trp)

Gene: TGM5 (transglutaminase 5; minus strand). Cytogenetic location: 15q15.2.
Variant type: single nucleotide variant.
Coding change: c.1036C>T on transcript NM_201631.4 (MANE Select); coding-DNA position 1036, C replaced by T.
Protein change: p.Arg346Trp; replaces arginine 346 with tryptophan.
Molecular consequence: missense variant.
Genome position (GRCh38, 1-based): chr15:43,239,232, G>A on the plus strand (C>T on the coding strand, the complement: TGM5 is on the minus strand). VCF-style: chr15-43239232-G-A. GRCh37 (hg19) VCF-style: chr15-43531430-G-A.
Other names: c.790C>T, p.Arg264Trp (NM_004245.4); short protein forms R346W, R264W.
Identifiers: ClinVar variation 430084 (VCV000430084.4), dbSNP rs777586604, ClinGen allele CA7521109.

ClinVar aggregate classification (germline): Uncertain significance (1 of 4 stars; one submission).

Allele frequency attached by ClinVar (database versions not stated): ExAC 0.00002; TOPMed 0.00002; gnomAD 0.00004 and 0.00005; gnomAD exomes 0.00005.
gnomAD v4.1: 42 of 1,614,016 alleles (0.0026%); highest among the groups gnomAD compares: South Asian, 0.012%; no homozygotes.

Submission:

GeneDx
Classification: Uncertain significance. Last evaluated: 2020-08-07. Review status: criteria provided, single submitter. Criteria: GeneDx Variant Classification Process June 2021. Collection method: clinical testing. Allele origin: germline. Affected: yes.
Comment: Reported with a pathogenic TGM5 variant in two unrelated patients with acral skin fragility from the published literature, but it is not known whether the variants occurred on the same (in cis) or on different (in trans) chromosomes in both cases (Szczecinska et al. 2014); In silico analysis supports that this missense variant has a deleterious effect on protein structure/function; This variant is associated with the following publications: (PMID: 24628291)